The following is an entry in ClinVar:

ClinVar aggregate classification (germline): Pathogenic. Review status: criteria provided, multiple submitters, no conflicts (2 of 4 stars). 3 submissions from 3 submitters: Pathogenic (3). Last evaluated 2024-06-02.

Conditions:
Retinal dystrophy. Also called: Inherited retinal dystrophy. Identifiers: Orphanet 71862, MedGen C0854723, MeSH D058499, MONDO:0019118, HP:0000556.

Submissions (3):

Labcorp Genetics (formerly Invitae), Labcorp
Classification: Pathogenic. Last evaluated: 2024-06-02. Review status: criteria provided, single submitter. Criteria: Invitae Variant Classification Sherloc (09022015). Collection method: clinical testing. Allele origin: germline.
Comment: This sequence change affects a donor splice site in intron 34 of the ABCA4 gene. It is expected to disrupt RNA splicing. Variants that disrupt the donor or acceptor splice site typically lead to a loss of protein function (PMID: 16199547), and loss-of-function variants in ABCA4 are known to be pathogenic (PMID: 10958761, 24938718, 25312043, 26780318). This variant is not present in population databases (gnomAD no frequency). Disruption of this splice site has been observed in individual(s) with cone rod dystrophy (PMID: 18285826). In at least one individual the data is consistent with being in trans (on the opposite chromosome) from a pathogenic variant. ClinVar contains an entry for this variant (Variation ID: 871795). Algorithms developed to predict the effect of sequence changes on RNA splicing suggest that this variant may disrupt the consensus splice site. For these reasons, this variant has been classified as Pathogenic.

Institute of Human Genetics, Univ. Regensburg, Univ. Regensburg
Classification: Pathogenic for Retinal dystrophy. Last evaluated: 2021-01-01. Review status: criteria provided, single submitter. Criteria: ACMG Guidelines, 2015. Collection method: clinical testing. Allele origin: germline. Affected: yes.

CeGaT Center for Human Genetics Tuebingen
Classification: Pathogenic. Last evaluated: 2019-03-01. Review status: criteria provided, single submitter. Criteria: CeGaT Center For Human Genetics Tuebingen Variant Classification Criteria Version 2. Collection method: clinical testing. Allele origin: germline. Affected: yes. Observed: 4 variant alleles.

Literature cited by the submitters: PubMed 16199547 (cited by Labcorp Genetics (formerly Invitae), Labcorp); PubMed 10958761 (cited by Labcorp Genetics (formerly Invitae), Labcorp); PubMed 24938718 (cited by Labcorp Genetics (formerly Invitae), Labcorp); PubMed 25312043 (cited by Labcorp Genetics (formerly Invitae), Labcorp); PubMed 26780318 (cited by Labcorp Genetics (formerly Invitae), Labcorp); PubMed 18285826 (cited by Labcorp Genetics (formerly Invitae), Labcorp and Institute of Human Genetics, Univ. Regensburg, Univ. Regensburg); PubMed 25525159 (cited by Institute of Human Genetics, Univ. Regensburg, Univ. Regensburg); PubMed 32531858 (cited by Institute of Human Genetics, Univ. Regensburg, Univ. Regensburg).

NM_000350.3(ABCA4):c.4848+2T>C

Genes: ABCA4 (ATP binding cassette subfamily A member 4; minus strand), LOC126805793 (CDK7 strongly-dependent group 2 enhancer GRCh37_chr1:94486302-94487501; plus strand). Cytogenetic location: 1p22.1.
Variant type: single nucleotide variant.
Coding change: c.4848+2T>C on transcript NM_000350.3 (MANE Select); the canonical splice donor site of the intron after coding-DNA position 4848, T replaced by C.
Molecular consequence: splice donor variant.
Genome position (GRCh38, 1-based): chr1:94,021,638, A>G on the plus strand (T>C on the coding strand, the complement: ABCA4 is on the minus strand). VCF-style: chr1-94021638-A-G. GRCh37 (hg19) VCF-style: chr1-94487194-A-G.
Identifiers: ClinVar variation 871795 (VCV000871795.43), dbSNP rs1659900155, ClinGen allele CA341283543.